The following is an entry in ClinVar:

ClinVar aggregate classification (germline): Likely benign (0 of 4 stars; one submission).

Conditions:
PLXNA3-related disorder. Also called: PLXNA3-related condition.

Allele frequency attached by ClinVar (database versions not stated): 1000 Genomes Project 0.00053; ESP Exome Variant Server 0.00066; 1000 Genomes Project 30x 0.00083.
gnomAD v4.1: 116 of 1,192,903 alleles (0.0097%); highest among the groups gnomAD compares: African/African-American, 0.19%; no homozygotes.

Submission:

PreventionGenetics, part of Exact Sciences
Classification: Likely benign for PLXNA3-related condition. Last evaluated: 2022-05-28. Review status: no assertion criteria provided. Collection method: clinical testing. Allele origin: germline.
Comment: This variant is classified as likely benign based on ACMG/AMP sequence variant interpretation guidelines (Richards et al. 2015 PMID: 25741868, with internal and published modifications).

NM_017514.5(PLXNA3):c.1254C>T (p.Ala418=)

Gene: PLXNA3 (plexin A3; plus strand). Cytogenetic location: Xq28.
Variant type: single nucleotide variant.
Coding change: c.1254C>T on transcript NM_017514.5 (MANE Select); coding-DNA position 1254, C replaced by T.
Protein change: p.Ala418=; no amino-acid change (alanine 418 retained).
Molecular consequence: synonymous variant.
Genome position (GRCh38, 1-based): chrX:154,462,247, C>T. VCF-style: chrX-154462247-C-T. GRCh37 (hg19) VCF-style: chrX-153690587-C-T.
Identifiers: ClinVar variation 3039425 (VCV003039425.2), dbSNP rs142165702, ClinGen allele CA10563964.